The following is an entry in ClinVar:

NM_174916.3(UBR1):c.711A>G (p.Ser237=)

Gene: UBR1 (ubiquitin protein ligase E3 component n-recognin 1; minus strand). Cytogenetic location: 15q15.2.
Variant type: single nucleotide variant.
Coding change: c.711A>G on transcript NM_174916.3 (MANE Select); coding-DNA position 711, A replaced by G.
Protein change: p.Ser237=; no amino-acid change (serine 237 retained).
Molecular consequence: synonymous variant.
Genome position (GRCh38, 1-based): chr15:43,067,985, T>C on the plus strand (A>G on the coding strand, the complement: UBR1 is on the minus strand). VCF-style: chr15-43067985-T-C. GRCh37 (hg19) VCF-style: chr15-43360183-T-C.
Identifiers: ClinVar variation 2890049 (VCV002890049.11), dbSNP rs375764026, ClinGen allele CA7518942.

ClinVar aggregate classification (germline): Benign/Likely benign. Review status: criteria provided, multiple submitters, no conflicts (2 of 4 stars). 2 submissions from 2 submitters: Benign (1); Likely benign (1). Last evaluated 2026-01-27.

Allele frequency attached by ClinVar (database versions not stated): ESP Exome Variant Server 0.00008; gnomAD exomes 0.00008; TOPMed 0.00008; gnomAD 0.00009; ExAC 0.00013.
gnomAD v4.1: 143 of 1,612,856 alleles (0.0089%); highest among the groups gnomAD compares: East Asian, 0.025%; no homozygotes.

Submissions (2):

Labcorp Genetics (formerly Invitae), Labcorp
Classification: Benign. Last evaluated: 2026-01-27. Review status: criteria provided, single submitter. Criteria: Invitae Variant Classification Sherloc (09022015). Collection method: clinical testing. Allele origin: germline.

CeGaT Center for Human Genetics Tuebingen
Classification: Likely benign. Last evaluated: 2025-06-01. Review status: criteria provided, single submitter. Criteria: CeGaT Center For Human Genetics Tuebingen Variant Classification Criteria Version 2. Collection method: clinical testing. Allele origin: germline. Affected: yes. Observed: 1 variant allele.
Comment: UBR1: BP4, BP7